The following is an entry in ClinVar:

NM_004329.3(BMPR1A):c.360del (p.Thr121fs)

Gene: BMPR1A (bone morphogenetic protein receptor type 1A; plus strand). Cytogenetic location: 10q23.2.
Variant type: Deletion.
Coding change: c.360del on transcript NM_004329.3 (MANE Select); coding-DNA position 360, one base deleted (G; older notation c.360delG).
Protein change: p.Thr121fs; shifts the reading frame from threonine 121.
Molecular consequence: frameshift variant.
Genome position (GRCh38, 1-based): chr10:86,899,820, G deleted; the last of 2 consecutive G bases (chr10:86,899,819-86,899,820); deleting either gives the same sequence. VCF-style (leftmost placement, unchanged base first): chr10-86899818-CG-C. GRCh37 (hg19) VCF-style: chr10-88659575-CG-C.
Other names: c.360delG (NM_004329.2); c.360del (NM_004329.2); short protein forms T121fs.
Identifiers: ClinVar variation 419669 (VCV000419669.18), dbSNP rs1064794031, ClinGen allele CA16619001.
Genomic context (GRCh38, chr10:86,899,818, plus strand): 5'-AAACCATTTCTAATTTTATCATTACTCTTCTTTTAGGATTCTCCAAAAGCCCAGCTACGC[CG>C]GACAATAGAATGTTGTCGGACCAATTTATGTAACCAGTATTTGCAACCCACACTGCCCCC-3'

ClinVar aggregate classification (germline): Pathogenic. Review status: criteria provided, multiple submitters, no conflicts (2 of 4 stars). 4 submissions from 4 submitters: Pathogenic (4). Last evaluated 2025-05-12.

Conditions:
Juvenile polyposis syndrome (JPS). Identifiers: Orphanet 2929, MedGen C0345893, MONDO:0017380, OMIM 174900.
Hereditary cancer-predisposing syndrome. Also called: Hereditary neoplastic syndrome; Hereditary Cancer Syndrome; Neoplastic Syndromes, Hereditary; Tumor predisposition. Identifiers: Orphanet 140162, MedGen C0027672, MeSH D009386, MONDO:0015356.

Submissions (4):

GeneDx
Classification: Pathogenic. Last evaluated: 2025-05-12. Review status: criteria provided, single submitter. Criteria: GeneDx Variant Classification Process June 2021. Collection method: clinical testing. Allele origin: germline. Affected: yes.
Comment: Frameshift variant predicted to result in protein truncation or nonsense mediated decay in a gene for which loss of function is a known mechanism of disease; Not observed at significant frequency in large population cohorts (gnomAD); Has not been previously published as pathogenic or benign to our knowledge

Myriad Genetics, Inc.
Classification: Pathogenic for Juvenile polyposis syndrome. Last evaluated: 2023-05-26. Review status: criteria provided, single submitter. Criteria: Myriad Autosomal Dominant, Autosomal Recessive and X-Linked Classification Criteria (2023). Collection method: clinical testing. Allele origin: unknown.
Comment: This variant is considered pathogenic. This variant creates a frameshift predicted to result in premature protein truncation.

Ambry Genetics
Classification: Pathogenic for Hereditary cancer-predisposing syndrome. Last evaluated: 2022-12-09. Review status: criteria provided, single submitter. Criteria: Ambry Variant Classification Scheme 2023. Collection method: clinical testing. Allele origin: germline.
Comment: The c.360delG pathogenic mutation, located in coding exon 4 of the BMPR1A gene, results from a deletion of one nucleotide at nucleotide position 360, causing a translational frameshift with a predicted alternate stop codon (p.T121Qfs*2). This alteration has been observed in at least one individual with a personal and/or family history that is consistent with Juvenile Polyposis syndrome (JPS) (Ambry internal data). This alteration is expected to result in loss of function by premature protein truncation or nonsense-mediated mRNA decay. As such, this alteration is interpreted as a disease-causing mutation.

Labcorp Genetics (formerly Invitae), Labcorp
Classification: Pathogenic for Juvenile polyposis syndrome. Last evaluated: 2021-03-11. Review status: criteria provided, single submitter. Criteria: Invitae Variant Classification Sherloc (09022015). Collection method: clinical testing. Allele origin: germline.
Comment: This sequence change creates a premature translational stop signal (p.Thr121Glnfs*2) in the BMPR1A gene. It is expected to result in an absent or disrupted protein product. Loss-of-function variants in BMPR1A are known to be pathogenic (PMID: 11536076, 12417513). This variant is not present in population databases (ExAC no frequency). This variant has not been reported in the literature in individuals with BMPR1A-related conditions. ClinVar contains an entry for this variant (Variation ID: 419669). For these reasons, this variant has been classified as Pathogenic.

Literature cited by the submitters: PubMed 11536076 (cited by Labcorp Genetics (formerly Invitae), Labcorp); PubMed 12417513 (cited by Labcorp Genetics (formerly Invitae), Labcorp).